The following is an entry in ClinVar:

ClinVar aggregate classification (germline): Uncertain significance. Review status: criteria provided, multiple submitters, no conflicts (2 of 4 stars). 3 submissions from 3 submitters: Uncertain significance (3). Last evaluated 2025-10-01.

Conditions:
Wilson disease (WND). Also called: Wilson's disease. Identifiers: Orphanet 905, MedGen C0019202, MONDO:0010200, OMIM 277900. Disease mechanism: loss of function.

Allele frequency attached by ClinVar (database versions not stated): gnomAD exomes 0.00001; TOPMed 0.00002; gnomAD 0.00003; ExAC 0.00005; ESP Exome Variant Server 0.00008.
gnomAD v4.1: 25 of 1,605,374 alleles (0.0016%); highest among the groups gnomAD compares: African/African-American, 0.0053%; no homozygotes.

Submissions (3):

Myriad Genetics, Inc.
Classification: Uncertain significance for Wilson disease. Last evaluated: 2025-10-01. Review status: criteria provided, single submitter. Criteria: Myriad Autosomal Dominant, Autosomal Recessive and X-Linked Classification Criteria (2023). Collection method: clinical testing. Allele origin: unknown.
Comment: NM_000053.3(ATP7B):c.3016G>A(G1006S) is a missense variant classified as a variant of uncertain significance in the context of Wilson disease. G1006S has been observed in a case with relevant disease (PMID: 38964898). Relevant functional assessments of this variant are not available in the literature. G1006S has been observed in referenced population frequency databases. In summary, there is insufficient evidence to classify NM_000053.3(ATP7B):c.3016G>A(G1006S) as pathogenic or benign. Please note: this variant was assessed in the context of healthy population screening.

Color Diagnostics, LLC DBA Color Health
Classification: Uncertain significance for Wilson disease. Last evaluated: 2025-07-29. Review status: criteria provided, single submitter. Criteria: ACMG Guidelines, 2015. Collection method: clinical testing. Allele origin: germline.
Comment: This missense variant replaces glycine with serine at codon 1006 of the ATP7B protein. Computational prediction suggests that this variant may have deleterious impact on protein structure and function. To our knowledge, functional studies have not been reported for this variant. This variant has not been reported in individuals affected with ATP7B-related disorders in the literature. This variant has been identified in 5/233988 chromosomes in the general population by the Genome Aggregation Database (gnomAD). The available evidence is insufficient to determine the role of this variant in disease conclusively. Therefore, this variant is classified as a Variant of Uncertain Significance.

All of Us Research Program, National Institutes of Health
Classification: Uncertain significance for Wilson disease. Last evaluated: 2023-06-26. Review status: criteria provided, single submitter. Criteria: ACMG Guidelines, 2015. Collection method: clinical testing. Allele origin: germline. Inheritance: Autosomal recessive inheritance. Observed: 4 variant alleles, 4 heterozygotes.
Comment: This missense variant replaces glycine with serine at codon 1006 of the ATP7B protein. Computational prediction suggests that this variant may have deleterious impact on protein structure and function (internally defined REVEL score threshold >= 0.7, PMID: 27666373). To our knowledge, functional studies have not been reported for this variant. This variant has not been reported in individuals affected with ATP7B-related disorders in the literature. This variant has been identified in 5/233988 chromosomes in the general population by the Genome Aggregation Database (gnomAD). The available evidence is insufficient to determine the role of this variant in disease conclusively. Therefore, this variant is classified as a Variant of Uncertain Significance.

This study involves interpretation of variants in research participants for the purpose of population health screening. Participant phenotype was not available at the time of variant classification. Additional details can be found in publication PMID: 35346344, PMCID: PMC8962531

Literature cited by the submitters: PubMed 38964898 (cited by Myriad Genetics, Inc.).

NM_000053.4(ATP7B):c.3016G>A (p.Gly1006Ser)

Gene: ATP7B (ATPase copper transporting beta; minus strand). Cytogenetic location: 13q14.3.
Variant type: single nucleotide variant.
Coding change: c.3016G>A on transcript NM_000053.4 (MANE Select); coding-DNA position 3016, G replaced by A.
Protein change: p.Gly1006Ser; replaces glycine 1006 with serine.
Molecular consequence: missense variant. On other transcripts: intron variant (6).
Genome position (GRCh38, 1-based): chr13:51,946,328, C>T on the plus strand (G>A on the coding strand, the complement: ATP7B is on the minus strand). VCF-style: chr13-51946328-C-T. GRCh37 (hg19) VCF-style: chr13-52520464-C-T.
Other names: c.2395G>A, p.Gly799Ser (NM_001005918.3); c.2683G>A, p.Gly895Ser (NM_001243182.2); c.2782G>A, p.Gly928Ser (NM_001330578.2, NM_001406527.1, NM_001406528.1 and 1 more transcripts); c.2764G>A, p.Gly922Ser (NM_001330579.2, NM_001406531.1, NM_001406532.1); c.3016G>A, p.Gly1006Ser (NM_001406511.1, NM_001406512.1, NM_001406513.1 and 2 more transcripts); c.2983G>A, p.Gly995Ser (NM_001406514.1); c.2962G>A, p.Gly988Ser (NM_001406515.1, NM_001406516.1); c.2920G>A, p.Gly974Ser (NM_001406517.1, NM_001406518.1); and 18 more; short protein forms G1006S, G576S, G790S, G799S, G812S, G844S, G863S, G890S.
Identifiers: ClinVar variation 3075601 (VCV003075601.3), dbSNP rs369241942, ClinGen allele CA6988837.
Genomic context (GRCh38, chr13:51,946,328, plus strand): 5'-CGTGCTACAGGCTGACCTTGTGCGCCATCTCCAGGGGCTTGCCTCCCTTGATGAGGATGC[C>T]GTTCTGCGCGGCCACCCCGGTGCCCACCATGACAGCCGTGGGCGTGGCCAGCCCCAGGGA-3'
Protein context (NP_000044.2, residues 996-1016): MVGTGVAAQN[Gly1006Ser]ILIKGGKPLE